The following is an entry in ClinVar:

ClinVar aggregate classification (germline): Pathogenic. Review status: reviewed by expert panel (3 of 4 stars). 5 submissions from 4 submitters: Pathogenic (1). 4 of the submissions do not count toward it. Last evaluated 2017-12-15.

Conditions:
Hereditary breast ovarian cancer syndrome. Also called: Hereditary breast and ovarian cancer syndrome (HBOC); BRCA1- and BRCA2-Associated Hereditary Breast and Ovarian Cancer; Hereditary breast and/or ovarian cancer syndrome; Hereditary breast and ovarian cancer syndrome; Hereditary breast and ovarian cancer; Breast and ovarian cancer. Identifiers: Orphanet 145, MedGen C0677776, MeSH D061325, MONDO:0003582. Disease mechanism: loss of function.
Hereditary cancer-predisposing syndrome. Also called: Neoplastic Syndromes, Hereditary; Hereditary neoplastic syndrome; Tumor predisposition; Hereditary Cancer Syndrome. Identifiers: Orphanet 140162, MedGen C0027672, MeSH D009386, MONDO:0015356.
Familial cancer of breast. Also called: hereditary breast carcinoma; BREAST CANCER, FAMILIAL; Hereditary breast cancer. Identifiers: Orphanet 227535, MedGen C0346153, MONDO:0016419, OMIM 114480. Disease mechanism: loss of function.
Fanconi anemia, complementation group S (FANCS). Identifiers: MedGen C4554406, MONDO:0054748, OMIM 617883.
Breast-ovarian cancer, familial, susceptibility to, 1 (BROVCA1). Also called: BRCA1 Hereditary Breast and Ovarian Cancer; OVARIAN CANCER, SUSCEPTIBILITY TO. Identifiers: Orphanet 145, MedGen C2676676, MONDO:0011450, OMIM 604370. Disease mechanism: loss of function.
Malignant tumor of breast. Also called: Malignant breast neoplasm; Cancer breast. Identifiers: MedGen C0006142, MONDO:0007254. Disease mechanism: loss of function.

Submissions (5):

Evidence-based Network for the Interpretation of Germline Mutant Alleles (ENIGMA)
Classification: Pathogenic for Breast-ovarian cancer, familial, susceptibility to, 1. Last evaluated: 2017-12-15. Review status: reviewed by expert panel. Criteria: ENIGMA BRCA1/2 Classification Criteria (2017-06-29). Collection method: curation. Allele origin: germline. Study: ENIGMA.
Comment: Variant allele predicted to encode a truncated non-functional protein.

Color Diagnostics, LLC DBA Color Health
Classification: Pathogenic for Hereditary cancer-predisposing syndrome. Last evaluated: 2020-12-07. Review status: criteria provided, single submitter. Criteria: ACMG Guidelines, 2015. Collection method: clinical testing. Allele origin: germline. Not counted in ClinVar's aggregate classification.
Comment: This variant deletes 5 nucleotides in exon 10 of the BRCA1 gene, creating a frameshift and premature translation stop signal. This variant is expected to result in an absent or non-functional protein product. To our knowledge, this variant has not been reported in individuals affected with hereditary cancer in the literature. This variant has not been identified in the general population by the Genome Aggregation Database (gnomAD). Loss of BRCA1 function is a known mechanism of disease. Based on the available evidence, this variant is classified as Pathogenic.

Department of Pathology and Laboratory Medicine, Sinai Health System
Classification: Pathogenic for Familial cancer of breast; Breast-ovarian cancer, familial, susceptibility to, 1; Fanconi anemia, complementation group S. Last evaluated: 2019-04-01. Review status: criteria provided, single submitter. Criteria: ACMG Guidelines, 2015. Collection method: research. Allele origin: germline. Not counted in ClinVar's aggregate classification.

Research Molecular Genetics Laboratory, Women's College Hospital, University of Toronto
Classification: Pathogenic for Hereditary breast ovarian cancer syndrome. Last evaluated: 2014-01-31. Review status: no assertion criteria provided. Collection method: research. Allele origin: germline. Affected: yes. Study: The Canadian Open Genetics Repository (COGR). Not counted in ClinVar's aggregate classification.

Department of Pathology and Laboratory Medicine, Sinai Health System
Classification: Pathogenic for Malignant tumor of breast. Review status: no assertion criteria provided. Collection method: clinical testing. Allele origin: unknown. Affected: yes. Study: The Canadian Open Genetics Repository (COGR). Not counted in ClinVar's aggregate classification.
Comment: The p.Met1083X variant has not been identified in the literature. This variant is predicted to cause a frameshift, which alters the protein's amino acid sequence leading to a premature stop at codon 1083, resulting in a truncated or absent protein, and loss of function. Loss of function of the BRCA1 gene is an established disease mechanism in hereditary breast cancer patients. In summary, based on the above information, this variant is classified as pathogenic.

NM_007294.4(BRCA1):c.3247_3251del (p.Ala1082_Met1083insTer)

Genes: BRCA1 (BRCA1 DNA repair associated; minus strand), LOC126862571 (BRD4-independent group 4 enhancer GRCh37_chr17:41243136-41244335; plus strand). Cytogenetic location: 17q21.31.
Variant type: Microsatellite.
Coding change: c.3247_3251del on transcript NM_007294.4 (MANE Select); coding-DNA positions 3247 to 3251, 5 bases deleted (ATGCT; older notation c.3247_3251delATGCT).
Protein change: p.Ala1082_Met1083insTer.
Molecular consequence: nonsense. On other transcripts: frameshift variant (2), intron variant (137).
Genome position (GRCh38, 1-based): chr17:43,092,280-43,092,284, AGCAT deleted on the plus strand (ATGCT on the coding strand, the reverse complement: BRCA1 is on the minus strand); deleting any 5 consecutive bases within chr17:43,092,280-43,092,289 gives the same sequence; the c. name uses the placement nearest the transcript's 3' end. VCF-style (leftmost placement, unchanged base first): chr17-43092279-AAGCAT-A. GRCh37 (hg19) VCF-style: chr17-41244296-AAGCAT-A.
Other names: c.3247_3251del (NM_007294.3); c.3247_3251delATGCT (NM_007294.3); c.3034_3038del, p.Ala1011_Met1012insTer (NM_001407571.1, NM_001407853.1, NM_001407894.1 and 9 more transcripts); c.3247_3251del, p.Ala1082_Met1083insTer (NM_001407581.1, NM_001407582.1, NM_001407583.1 and 30 more transcripts); c.3244_3248del, p.Ala1081_Met1082insTer (NM_001407587.1, NM_001407590.1, NM_001407591.1 and 22 more transcripts); c.3238_3242del, p.Ala1079_Met1080insTer (NM_001407646.1, NM_001407647.1); c.3124_3128del, p.Ala1041_Met1042insTer (NM_001407648.1, NM_001407664.1, NM_001407665.1 and 19 more transcripts); c.3121_3125del, p.Ala1040_Met1041insTer (NM_001407649.1, NM_001407670.1, NM_001407671.1 and 11 more transcripts); and 43 more.
Identifiers: ClinVar variation 431241 (VCV000431241.6), dbSNP rs1135401859, ClinGen allele CA645373183.